The following is an entry in ClinVar:

NM_032043.3(BRIP1):c.3699del (p.Phe1234fs)

Gene: BRIP1 (BRCA1 interacting DNA helicase 1; minus strand). Cytogenetic location: 17q23.2.
Variant type: Deletion.
Coding change: c.3699del on transcript NM_032043.3 (MANE Select); coding-DNA position 3699, one base deleted (C; older notation c.3699delC).
Protein change: p.Phe1234fs; shifts the reading frame from phenylalanine 1234.
Molecular consequence: frameshift variant.
Genome position (GRCh38, 1-based): chr17:61,683,347, G deleted on the plus strand (C on the coding strand, the reverse complement: BRIP1 is on the minus strand). VCF-style (leftmost placement, unchanged base first): chr17-61683346-AG-A. GRCh37 (hg19) VCF-style: chr17-59760707-AG-A.
Other names: short protein forms F1234fs.
Identifiers: ClinVar variation 824086 (VCV000824086.4), dbSNP rs1603274686, ClinGen allele CA915950678.

ClinVar aggregate classification (germline): Uncertain significance (1 of 4 stars; one submission).

Conditions:
Hereditary cancer-predisposing syndrome. Also called: Neoplastic Syndromes, Hereditary; Tumor predisposition; Hereditary neoplastic syndrome; Hereditary Cancer Syndrome. Identifiers: Orphanet 140162, MedGen C0027672, MeSH D009386, MONDO:0015356.

Submission:

Ambry Genetics
Classification: Uncertain significance for Hereditary cancer-predisposing syndrome. Last evaluated: 2019-09-11. Review status: criteria provided, single submitter. Criteria: Ambry Variant Classification Scheme 2023. Collection method: clinical testing. Allele origin: germline.
Comment: The c.3699delC variant, located in coding exon 19 of the BRIP1 gene, results from a deletion of one nucleotide at nucleotide position 3699, causing a translational frameshift with a predicted alternate stop codon (p.F1234Lfs*20). Frameshifts are typically deleterious in nature, however, this frameshift occurs at the 3' terminus of BRIP1, is not expected to trigger nonsense-mediated mRNA decay, impacts only the last 16 amino acids of the protein, and results in the elongation of the protein by 3 amino acids. The exact functional impact of these altered/added amino acids is unknown at this time. Since supporting evidence is limited at this time, the clinical significance of this alteration remains unclear.